The following is an entry in ClinVar:

NM_017950.4(CCDC40):c.2292C>T (p.Asp764=)

Gene: CCDC40 (coiled-coil domain 40 molecular ruler complex subunit; plus strand). Cytogenetic location: 17q25.3.
Variant type: single nucleotide variant.
Coding change: c.2292C>T on transcript NM_017950.4 (MANE Select); coding-DNA position 2292, C replaced by T.
Protein change: p.Asp764=; no amino-acid change (aspartic acid 764 retained).
Molecular consequence: synonymous variant.
Genome position (GRCh38, 1-based): chr17:80,086,059, C>T. VCF-style: chr17-80086059-C-T. GRCh37 (hg19) VCF-style: chr17-78059858-C-T.
Other names: c.2292C>T, p.Asp764= (NM_001243342.2).
Identifiers: ClinVar variation 1087724 (VCV001087724.12), dbSNP rs758047721, ClinGen allele CA8814164.

ClinVar aggregate classification (germline): Likely benign. Review status: criteria provided, multiple submitters, no conflicts (2 of 4 stars). 3 submissions from 3 submitters: Likely benign (3). Last evaluated 2026-07-01.

Conditions:
Primary ciliary dyskinesia. Also called: Ciliary dyskinesia. Identifiers: Orphanet 244, MedGen C0008780, MONDO:0016575, HP:0012265.

Allele frequency attached by ClinVar (database versions not stated): ExAC 0.00002; gnomAD exomes 0.00002 and 0.00008; TOPMed 0.00005.
gnomAD v4.1: 122 of 1,614,128 alleles (0.0076%); highest among the groups gnomAD compares: Non-Finnish European, 0.0097%; no homozygotes.

Submissions (3):

CeGaT Center for Human Genetics Tuebingen
Classification: Likely benign. Last evaluated: 2026-07-01. Review status: criteria provided, single submitter. Criteria: CeGaT Center For Human Genetics Tuebingen Variant Classification Criteria Version 2. Collection method: clinical testing. Allele origin: germline. Affected: yes. Observed: 1 variant allele.
Comment: CCDC40: BP4, BP7

Labcorp Genetics (formerly Invitae), Labcorp
Classification: Likely benign for Primary ciliary dyskinesia. Last evaluated: 2025-04-13. Review status: criteria provided, single submitter. Criteria: Invitae Variant Classification Sherloc (09022015). Collection method: clinical testing. Allele origin: germline.

Ambry Genetics
Classification: Likely benign for Primary ciliary dyskinesia. Last evaluated: 2016-07-26. Review status: criteria provided, single submitter. Criteria: Ambry Variant Classification Scheme 2023. Collection method: clinical testing. Allele origin: germline.